The following is an entry in ClinVar:

NM_004715.5(CTDP1):c.413A>G (p.Asn138Ser)

Gene: CTDP1 (CTD phosphatase subunit 1; plus strand). Cytogenetic location: 18q23.
Variant type: single nucleotide variant.
Coding change: c.413A>G on transcript NM_004715.5 (MANE Select); coding-DNA position 413, A replaced by G.
Protein change: p.Asn138Ser; replaces asparagine 138 with serine.
Molecular consequence: missense variant.
Genome position (GRCh38, 1-based): chr18:79,695,991, A>G. VCF-style: chr18-79695991-A-G. GRCh37 (hg19) VCF-style: chr18-77455991-A-G.
Other names: p.Asn138Ser; c.56A>G, p.Asn19Ser (NM_001202504.1); c.413A>G, p.Asn138Ser (NM_001318511.2, NM_048368.4); short protein forms N19S, N138S.
Identifiers: ClinVar variation 1386633 (VCV001386633.6), dbSNP rs754182939, ClinGen allele CA9009954.

ClinVar aggregate classification (germline): Uncertain significance. Review status: criteria provided, multiple submitters, no conflicts (2 of 4 stars). 2 submissions from 2 submitters: Uncertain significance (2). Last evaluated 2022-08-09.

Allele frequency attached by ClinVar (database versions not stated): gnomAD 0.00001; gnomAD exomes 0.00001 and 0.00004; TOPMed 0.00002; ExAC 0.00003.
gnomAD v4.1: 18 of 1,612,432 alleles (0.0011%); highest among the groups gnomAD compares: Admixed American, 0.013%; no homozygotes.

Submissions (2):

Labcorp Genetics (formerly Invitae), Labcorp
Classification: Uncertain significance. Last evaluated: 2022-08-09. Review status: criteria provided, single submitter. Criteria: Invitae Variant Classification Sherloc (09022015). Collection method: clinical testing. Allele origin: germline.
Comment: This sequence change replaces asparagine, which is neutral and polar, with serine, which is neutral and polar, at codon 138 of the CTDP1 protein (p.Asn138Ser). This variant is present in population databases (rs754182939, gnomAD 0.02%). This variant has not been reported in the literature in individuals affected with CTDP1-related conditions. ClinVar contains an entry for this variant (Variation ID: 1386633). Algorithms developed to predict the effect of missense changes on protein structure and function are either unavailable or do not agree on the potential impact of this missense change (SIFT: "Tolerated"; PolyPhen-2: "Probably Damaging"; Align-GVGD: "Class C0"). In summary, the available evidence is currently insufficient to determine the role of this variant in disease. Therefore, it has been classified as a Variant of Uncertain Significance.

Mayo Clinic Laboratories, Mayo Clinic
Classification: Uncertain significance. Last evaluated: 2021-12-20. Review status: criteria provided, single submitter. Criteria: ACMG Guidelines, 2015. Collection method: clinical testing. Allele origin: germline.